The following is an entry in ClinVar:

ClinVar aggregate classification (germline): Conflicting classifications of pathogenicity. Review status: criteria provided, conflicting classifications (1 of 4 stars). 3 submissions from 3 submitters: Uncertain significance (1); Likely benign (2). Last evaluated 2025-10-15.

Conditions:
Familial melanoma. Also called: Hereditary melanoma; Hereditary cutaneous melanoma. Identifiers: Orphanet 618, MedGen C1512419, MONDO:0018961.
Melanoma, cutaneous malignant, susceptibility to, 3. Also called: Cutaneous malignant melanoma 3. Identifiers: Orphanet 618, MedGen C1836892, MONDO:0012183, OMIM 609048.

gnomAD v4.1: 6 of 1,614,156 alleles (0.00037%); highest among the groups gnomAD compares: Non-Finnish European, 0.00051%; no homozygotes.

Submissions (3):

Labcorp Genetics (formerly Invitae), Labcorp
Classification: Likely benign for Familial melanoma. Last evaluated: 2025-10-15. Review status: criteria provided, single submitter. Criteria: Invitae Variant Classification Sherloc (09022015). Collection method: clinical testing. Allele origin: germline.

Quest Diagnostics Nichols Institute San Juan Capistrano
Classification: Uncertain significance. Last evaluated: 2025-06-13. Review status: criteria provided, single submitter. Criteria: Quest Diagnostics criteria. Collection method: clinical testing. Allele origin: unknown.
Comment: The CDK4 c.354+9G>C variant has not been reported in individuals with CDK4-related conditions in the published literature. It also has not been reported in large, multi-ethnic general populations (Genome Aggregation Database). Analysis of this variant using software algorithms for the prediction of the effect of nucleotide changes on splicing yielded predictions that this variant does not affect CDK4 mRNA splicing. Based on the available information, we are unable to determine the clinical significance of this variant.

Myriad Genetics, Inc.
Classification: Likely benign for Melanoma, cutaneous malignant, susceptibility to, 3. Last evaluated: 2024-09-25. Review status: criteria provided, single submitter. Criteria: Myriad Autosomal Dominant, Autosomal Recessive and X-Linked Classification Criteria (2023). Collection method: clinical testing. Allele origin: unknown.
Comment: This variant is considered likely benign. This variant is intronic and is not expected to impact mRNA splicing.

NM_000075.4(CDK4):c.354+9G>C

Gene: CDK4 (cyclin dependent kinase 4; minus strand). Cytogenetic location: 12q14.1.
Variant type: single nucleotide variant.
Coding change: c.354+9G>C on transcript NM_000075.4 (MANE Select); 9 bases into the intron after coding-DNA position 354, G replaced by C.
Molecular consequence: intron variant.
Genome position (GRCh38, 1-based): chr12:57,751,198, C>G on the plus strand (G>C on the coding strand, the complement: CDK4 is on the minus strand). VCF-style: chr12-57751198-C-G. GRCh37 (hg19) VCF-style: chr12-58144981-C-G.
Identifiers: ClinVar variation 697484 (VCV000697484.11), dbSNP rs771456729, ClinGen allele CA915948428.
Genomic context (GRCh38, chr12:57,751,198, plus strand): 5'-CCTGAAATCCCAGAAGGTTCTACTACAAAGGTCCCAATCCACCTCTCAATGCCTACCAAC[C>G]CCACTCACCTTGATCGTTTCGGCTGGCAAGCCTGGTGGGGGTGCCTTGTCCAGATATGTC-3'